The following is an entry in ClinVar:

NM_001320752.2(STS):c.61_73del (p.Arg21fs)

Gene: STS (steroid sulfatase; plus strand). Cytogenetic location: Xp22.31.
Variant type: Deletion.
Coding change: c.61_73del on transcript NM_001320752.2 (MANE Select); coding-DNA positions 61 to 73, 13 bases deleted (AGGCCGAACATCA).
Protein change: p.Arg21fs; shifts the reading frame from arginine 21.
Molecular consequence: frameshift variant.
Genome position (GRCh38, 1-based): chrX:7,253,260-7,253,272, AGGCCGAACATCA deleted; deleting any 13 consecutive bases within chrX:7,253,255-7,253,272 gives the same sequence; the c. name uses the placement nearest the transcript's 3' end. VCF-style (leftmost placement, unchanged base first): chrX-7253254-GCATCAAGGCCGAA-G. GRCh37 (hg19) VCF-style: chrX-7171295-GCATCAAGGCCGAA-G.
Other names: c.61_73del, p.Arg21fs (NM_000351.7, NM_001320753.2, NM_001320754.2); c.97_109del, p.Arg33fs (NM_001320750.3, NM_001320751.2); short protein forms R21fs, R33fs.
Identifiers: ClinVar variation 4875324 (VCV004875324.2).

ClinVar aggregate classification (germline): Likely pathogenic (1 of 4 stars; one submission).

Submission:

CeGaT Center for Human Genetics Tuebingen
Classification: Likely pathogenic. Last evaluated: 2026-06-01. Review status: criteria provided, single submitter. Criteria: CeGaT Center For Human Genetics Tuebingen Variant Classification Criteria Version 2. Collection method: clinical testing. Allele origin: germline. Affected: yes. Observed: 1 variant allele.
Comment: STS: PVS1:Strong, PM2, PP4